The following is an entry in ClinVar:

NM_139057.4(ADAMTS17):c.3251A>G (p.Tyr1084Cys)

Gene: ADAMTS17 (ADAM metallopeptidase with thrombospondin type 1 motif 17; minus strand). Cytogenetic location: 15q26.3.
Variant type: single nucleotide variant.
Coding change: c.3251A>G on transcript NM_139057.4 (MANE Select); coding-DNA position 3251, A replaced by G.
Protein change: p.Tyr1084Cys; replaces tyrosine 1084 with cysteine.
Molecular consequence: missense variant.
Genome position (GRCh38, 1-based): chr15:99,974,439, T>C on the plus strand (A>G on the coding strand, the complement: ADAMTS17 is on the minus strand). VCF-style: chr15-99974439-T-C. GRCh37 (hg19) VCF-style: chr15-100514644-T-C.
Other names: p.Tyr1084Cys; c.3251A>G (NM_139057.2); short protein forms Y1084C.
Identifiers: ClinVar variation 1395053 (VCV001395053.7), dbSNP rs376693261, ClinGen allele CA7757411.
Genomic context (GRCh38, chr15:99,974,439, plus strand): 5'-TGAGCGACCCTTGGGACTGCGTGTCACGAGTTCGGCGGTGGCTGGCGCATCTTGTTTGCA[T>C]AGAAGTCCCTGCAGGTCTGGCAGCAGCGCTGGTACCACCGCATGTCCTGGCAGAGGTTCT-3'
Protein context (NP_620688.2, residues 1074-1094): QRCCQTCRDF[Tyr1084Cys]ANKMRQPPPN

ClinVar aggregate classification (germline): Uncertain significance. Review status: criteria provided, multiple submitters, no conflicts (2 of 4 stars). 4 submissions from 4 submitters: Uncertain significance (4). Last evaluated 2024-07-29.

Conditions:
Inborn genetic diseases. Identifiers: MedGen C0950123, MeSH D030342.

Allele frequency attached by ClinVar (database versions not stated): gnomAD exomes below 0.00001 and 0.00001; ExAC 0.00001; gnomAD 0.00001; TOPMed 0.00004; ESP Exome Variant Server 0.00008.
gnomAD v4.1: 10 of 1,614,080 alleles (0.00062%); highest among the groups gnomAD compares: African/African-American, 0.0013%; no homozygotes.

Submissions (4):

Mayo Clinic Laboratories, Mayo Clinic
Classification: Uncertain significance. Last evaluated: 2024-07-29. Review status: criteria provided, single submitter. Criteria: ACMG Guidelines, 2015. Collection method: clinical testing. Allele origin: germline. Observed: 1 variant allele.

GeneDx
Classification: Uncertain significance. Last evaluated: 2024-07-18. Review status: criteria provided, single submitter. Criteria: GeneDx Variant Classification Process June 2021. Collection method: clinical testing. Allele origin: germline. Affected: yes.
Comment: Not observed at significant frequency in large population cohorts (gnomAD); In silico analysis supports that this missense variant has a deleterious effect on protein structure/function; Has not been previously published as pathogenic or benign to our knowledge

Ambry Genetics
Classification: Uncertain significance for Inborn genetic diseases. Last evaluated: 2023-12-26. Review status: criteria provided, single submitter. Criteria: Ambry Variant Classification Scheme 2023. Collection method: clinical testing. Allele origin: germline.

Labcorp Genetics (formerly Invitae), Labcorp
Classification: Uncertain significance. Last evaluated: 2022-03-15. Review status: criteria provided, single submitter. Criteria: Invitae Variant Classification Sherloc (09022015). Collection method: clinical testing. Allele origin: germline.
Comment: This sequence change replaces tyrosine, which is neutral and polar, with cysteine, which is neutral and slightly polar, at codon 1084 of the ADAMTS17 protein (p.Tyr1084Cys). This variant is present in population databases (rs376693261, gnomAD 0.002%). This variant has not been reported in the literature in individuals affected with ADAMTS17-related conditions. Algorithms developed to predict the effect of missense changes on protein structure and function are either unavailable or do not agree on the potential impact of this missense change (SIFT: "Not Available"; PolyPhen-2: "Probably Damaging"; Align-GVGD: "Not Available"). In summary, the available evidence is currently insufficient to determine the role of this variant in disease. Therefore, it has been classified as a Variant of Uncertain Significance.